The following is an entry in ClinVar:

NM_004186.5(SEMA3F):c.2065G>A (p.Val689Ile)

Gene: SEMA3F (semaphorin 3F; plus strand). Cytogenetic location: 3p21.31.
Variant type: single nucleotide variant.
Coding change: c.2065G>A on transcript NM_004186.5 (MANE Select); coding-DNA position 2065, G replaced by A.
Protein change: p.Val689Ile; replaces valine 689 with isoleucine.
Molecular consequence: missense variant.
Genome position (GRCh38, 1-based): chr3:50,187,822, G>A. VCF-style: chr3-50187822-G-A. GRCh37 (hg19) VCF-style: chr3-50225255-G-A.
Other names: c.1768G>A, p.Val590Ile (NM_001318798.2); c.1972G>A, p.Val658Ile (NM_001318800.2); short protein forms V590I, V658I, V689I.
Identifiers: ClinVar variation 3042359 (VCV003042359.2), dbSNP rs141689328, ClinGen allele CA2412325.
Genomic context (GRCh38, chr3:50,187,822, plus strand): 5'-CAGCTCAGCGATCGTGGCCTCTACTCCTGCACAGCCACTGAGAACAACTTTAAGCACGTC[G>A]TCACACGAGTGCAGCTGCATGTACTGGGCCGGGACGCCGTCCATGCTGCCCTCTTCCCAC-3'
Protein context (NP_004177.3, residues 679-699): TATENNFKHV[Val689Ile]TRVQLHVLGR

ClinVar aggregate classification (germline): Likely benign (0 of 4 stars; one submission).

Conditions:
SEMA3F-related disorder. Also called: SEMA3F-related condition.

Allele frequency attached by ClinVar (database versions not stated): 1000 Genomes Project 30x 0.00031; 1000 Genomes Project 0.00040; ESP Exome Variant Server 0.00108.
gnomAD v4.1: 1,614 of 1,613,450 alleles (0.1%); highest among the groups gnomAD compares: Middle Eastern, 0.68%; 4 homozygotes.

Submission:

PreventionGenetics, part of Exact Sciences
Classification: Likely benign for SEMA3F-related condition. Last evaluated: 2022-02-02. Review status: no assertion criteria provided. Collection method: clinical testing. Allele origin: germline.
Comment: This variant is classified as likely benign based on ACMG/AMP sequence variant interpretation guidelines (Richards et al. 2015 PMID: 25741868, with internal and published modifications).